The following is an entry in ClinVar:

NM_001142966.3(GREB1L):c.2556+1G>A

Gene: GREB1L (GREB1 like retinoic acid receptor coactivator; plus strand). Cytogenetic location: 18q11.1.
Variant type: single nucleotide variant.
Coding change: c.2556+1G>A on transcript NM_001142966.3 (MANE Select); the canonical splice donor site of the intron after coding-DNA position 2556, G replaced by A.
Molecular consequence: splice donor variant.
Genome position (GRCh38, 1-based): chr18:21,477,357, G>A. VCF-style: chr18-21477357-G-A. GRCh37 (hg19) VCF-style: chr18-19057318-G-A.
Other names: c.2685+1G>A (NM_001410867.1); c.2229+1G>A (NM_001410868.1).
Identifiers: ClinVar variation 3601157 (VCV003601157.1).

ClinVar aggregate classification (germline): Pathogenic (1 of 4 stars; one submission).

Conditions:
Hearing loss, autosomal dominant 80. Also called: DEAFNESS, AUTOSOMAL DOMINANT 80. Identifiers: MedGen C5543289, MONDO:0030998, OMIM 619274.

Submission:

Institute of Rare Diseases, West China Hospital, Sichuan University
Classification: Pathogenic for Hearing loss, autosomal dominant 80. Last evaluated: 2025-01-09. Review status: criteria provided, single submitter. Criteria: ClinGen HL ACMG Specifications v1. Collection method: research. Allele origin: germline. Affected: yes.
Comment: PVS1;PS2;PM2_Supporting